The following is an entry in ClinVar:

ClinVar aggregate classification (germline): Uncertain significance (1 of 4 stars; one submission).

Allele frequency attached by ClinVar (database versions not stated): gnomAD exomes below 0.00001.
gnomAD v4.1: 4 of 1,611,008 alleles (0.00025%); highest among the groups gnomAD compares: Admixed American, 0.0033%; no homozygotes.

Submission:

Labcorp Genetics (formerly Invitae), Labcorp
Classification: Uncertain significance. Last evaluated: 2023-11-12. Review status: criteria provided, single submitter. Criteria: Invitae Variant Classification Sherloc (09022015). Collection method: clinical testing. Allele origin: germline.
Comment: This sequence change replaces glycine, which is neutral and non-polar, with serine, which is neutral and polar, at codon 275 of the CFH protein (p.Gly275Ser). This variant is present in population databases (no rsID available, gnomAD 0.003%). This variant has not been reported in the literature in individuals affected with CFH-related conditions. Algorithms developed to predict the effect of missense changes on protein structure and function output the following: SIFT: "Not Available"; PolyPhen-2: "Probably Damaging"; Align-GVGD: "Not Available". The serine amino acid residue is found in multiple mammalian species, which suggests that this missense change does not adversely affect protein function. In summary, the available evidence is currently insufficient to determine the role of this variant in disease. Therefore, it has been classified as a Variant of Uncertain Significance.

NM_000186.4(CFH):c.823G>A (p.Gly275Ser)

Gene: CFH (complement factor H; plus strand). Cytogenetic location: 1q31.3.
Variant type: single nucleotide variant.
Coding change: c.823G>A on transcript NM_000186.4 (MANE Select); coding-DNA position 823, G replaced by A.
Protein change: p.Gly275Ser; replaces glycine 275 with serine.
Molecular consequence: missense variant.
Genome position (GRCh38, 1-based): chr1:196,685,096, G>A. VCF-style: chr1-196685096-G-A. GRCh37 (hg19) VCF-style: chr1-196654226-G-A.
Other names: c.823G>A, p.Gly275Ser (NM_001014975.3); short protein forms G275S.
Identifiers: ClinVar variation 2791616 (VCV002791616.3), dbSNP rs1441269201, ClinGen allele CA343978605.
Genomic context (GRCh38, chr1:196,685,096, plus strand): 5'-ATTATCCATATATCCTTTTTCTTTTCAGAAAAATCATGTGATAATCCTTATATTCCAAAT[G>A]GTGACTACTCACCTTTAAGGATTAAACACAGAACTGGAGATGAAATCACGTACCAGTGTA-3'
Protein context (NP_000177.2, residues 265-285): KSCDNPYIPN[Gly275Ser]DYSPLRIKHR